The following is an entry in ClinVar:

ClinVar aggregate classification (germline): Uncertain significance (1 of 4 stars; one submission).

Submission:

Labcorp Genetics (formerly Invitae), Labcorp
Classification: Uncertain significance. Last evaluated: 2024-06-08. Review status: criteria provided, single submitter. Criteria: Invitae Variant Classification Sherloc (09022015). Collection method: clinical testing. Allele origin: germline.
Comment: This sequence change replaces alanine, which is neutral and non-polar, with serine, which is neutral and polar, at codon 327 of the NUP62 protein (p.Ala327Ser). This variant is not present in population databases (gnomAD no frequency). This variant has not been reported in the literature in individuals affected with NUP62-related conditions. An algorithm developed to predict the effect of missense changes on protein structure and function (PolyPhen-2) suggests that this variant is likely to be disruptive. In summary, the available evidence is currently insufficient to determine the role of this variant in disease. Therefore, it has been classified as a Variant of Uncertain Significance.

NM_016553.5(NUP62):c.979G>T (p.Ala327Ser)

Genes: IL4I1 (interleukin 4 induced 1; minus strand), NUP62 (nucleoporin 62; minus strand). Cytogenetic location: 19q13.33.
Variant type: single nucleotide variant.
Coding change: c.979G>T on transcript NM_016553.5 (MANE Select); coding-DNA position 979, G replaced by T.
Protein change: p.Ala327Ser; replaces alanine 327 with serine.
Molecular consequence: missense variant. On other transcripts: intron variant (3).
Genome position (GRCh38, 1-based): chr19:49,908,829, C>A on the plus strand (G>T on the coding strand, the complement: NUP62 is on the minus strand). VCF-style: chr19-49908829-C-A. GRCh37 (hg19) VCF-style: chr19-50412086-C-A.
Other names: c.979G>T, p.Ala327Ser (NM_001193357.2, NM_012346.5, NM_153718.4 and 1 more transcripts); c.-227-4508G>T (NM_001258017.2, NM_172374.3); c.-285-4508G>T (NM_001258018.2); short protein forms A327S.
Identifiers: ClinVar variation 3655180 (VCV003655180.2).